The following is an entry in ClinVar:

ClinVar aggregate classification (germline): Uncertain significance. Review status: criteria provided, multiple submitters, no conflicts (2 of 4 stars). 3 submissions from 3 submitters: Uncertain significance (3). Last evaluated 2023-10-02.

Conditions:
Hereditary cancer-predisposing syndrome. Also called: Neoplastic Syndromes, Hereditary; Hereditary neoplastic syndrome; Tumor predisposition; Hereditary Cancer Syndrome. Identifiers: Orphanet 140162, MedGen C0027672, MeSH D009386, MONDO:0015356.
Tuberous sclerosis syndrome (TSC). Also called: Tuberous Sclerosis Complex; Tuberous sclerosis. Identifiers: Orphanet 805, MedGen C0041341, MONDO:0001734.
Tuberous sclerosis 2 (TSC2). Identifiers: Orphanet 805, MedGen C1860707, MONDO:0013199, OMIM 613254.

Submissions (3):

All of Us Research Program, National Institutes of Health
Classification: Uncertain significance for Tuberous sclerosis syndrome. Last evaluated: 2023-10-02. Review status: criteria provided, single submitter. Criteria: ACMG Guidelines, 2015. Collection method: clinical testing. Allele origin: germline. Inheritance: Autosomal dominant inheritance. Observed: 1 variant allele, 1 heterozygote.
Comment: This missense variant replaces methionine with threonine at codon 1226 of the TSC2 protein. Computational prediction is inconclusive regarding the impact of this variant on protein structure and function (internally defined REVEL score threshold 0.5 < inconclusive < 0.7, PMID: 27666373). To our knowledge, functional studies have not been reported for this variant. This variant has not been reported in individuals affected with TSC2-related disorders in the literature. This variant has not been identified in the general population by the Genome Aggregation Database (gnomAD). The available evidence is insufficient to determine the role of this variant in disease conclusively. Therefore, this variant is classified as a Variant of Uncertain Significance.

This study involves interpretation of variants in research participants for the purpose of population health screening. Participant phenotype was not available at the time of variant classification. Additional details can be found in publication PMID: 35346344, PMCID: PMC8962531

Labcorp Genetics (formerly Invitae), Labcorp
Classification: Uncertain significance for Tuberous sclerosis 2. Last evaluated: 2023-03-14. Review status: criteria provided, single submitter. Criteria: Invitae Variant Classification Sherloc (09022015). Collection method: clinical testing. Allele origin: germline.
Comment: In summary, the available evidence is currently insufficient to determine the role of this variant in disease. Therefore, it has been classified as a Variant of Uncertain Significance. Advanced modeling of protein sequence and biophysical properties (such as structural, functional, and spatial information, amino acid conservation, physicochemical variation, residue mobility, and thermodynamic stability) performed at Invitae indicates that this missense variant is not expected to disrupt TSC2 protein function. ClinVar contains an entry for this variant (Variation ID: 843852). This variant has not been reported in the literature in individuals affected with TSC2-related conditions. This variant is not present in population databases (gnomAD no frequency). This sequence change replaces methionine, which is neutral and non-polar, with threonine, which is neutral and polar, at codon 1226 of the TSC2 protein (p.Met1226Thr).

Ambry Genetics
Classification: Uncertain significance for Hereditary cancer-predisposing syndrome. Last evaluated: 2021-04-05. Review status: criteria provided, single submitter. Criteria: Ambry Variant Classification Scheme 2023. Collection method: clinical testing. Allele origin: germline.
Comment: The p.M1226T variant (also known as c.3677T>C), located in coding exon 30 of the TSC2 gene, results from a T to C substitution at nucleotide position 3677. The methionine at codon 1226 is replaced by threonine, an amino acid with similar properties. This amino acid position is well conserved in available vertebrate species. In addition, the in silico prediction for this alteration is inconclusive. Since supporting evidence is limited at this time, the clinical significance of this alteration remains unclear.

NM_000548.5(TSC2):c.3677T>C (p.Met1226Thr)

Gene: TSC2 (TSC complex subunit 2; plus strand). Cytogenetic location: 16p13.3.
Variant type: single nucleotide variant.
Coding change: c.3677T>C on transcript NM_000548.5 (MANE Select); coding-DNA position 3677, T replaced by C.
Protein change: p.Met1226Thr; replaces methionine 1226 with threonine.
Molecular consequence: missense variant.
Genome position (GRCh38, 1-based): chr16:2,081,661, T>C. VCF-style: chr16-2081661-T-C. GRCh37 (hg19) VCF-style: chr16-2131662-T-C.
Other names: c.3545T>C, p.Met1182Thr (NM_001077183.3, NM_001370404.1); c.3677T>C, p.Met1226Thr (NM_001114382.3); c.3437T>C, p.Met1146Thr (NM_001318827.2); c.3401T>C, p.Met1134Thr (NM_001318829.2); c.2945T>C, p.Met982Thr (NM_001318831.2); c.3578T>C, p.Met1193Thr (NM_001318832.2); c.3548T>C, p.Met1183Thr (NM_001363528.2, NM_001370405.1, NM_021055.3); short protein forms M1146T, M1183T, M982T, M1193T, M1226T, M1134T, M1182T.
Identifiers: ClinVar variation 843852 (VCV000843852.13), dbSNP rs2090157003, ClinGen allele CA394292277.